The following is an entry in ClinVar:

NM_004104.5(FASN):c.2681T>C (p.Ile894Thr)

Gene: FASN (fatty acid synthase; minus strand). Cytogenetic location: 17q25.3.
Variant type: single nucleotide variant.
Coding change: c.2681T>C on transcript NM_004104.5 (MANE Select); coding-DNA position 2681, T replaced by C.
Protein change: p.Ile894Thr; replaces isoleucine 894 with threonine.
Molecular consequence: missense variant.
Genome position (GRCh38, 1-based): chr17:82,088,220, A>G on the plus strand (T>C on the coding strand, the complement: FASN is on the minus strand). VCF-style: chr17-82088220-A-G. GRCh37 (hg19) VCF-style: chr17-80046096-A-G.
Other names: short protein forms I894T.
Identifiers: ClinVar variation 3656846 (VCV003656846.2).

ClinVar aggregate classification (germline): Uncertain significance (1 of 4 stars; one submission).

Conditions:
Epileptic encephalopathy. Identifiers: MedGen C0543888, HP:0200134.

gnomAD v4.1: 1 of 1,611,364 alleles (0.000062%); highest among the groups gnomAD compares: Non-Finnish European, 0.000085%; no homozygotes.

Submission:

Labcorp Genetics (formerly Invitae), Labcorp
Classification: Uncertain significance for Epileptic encephalopathy. Last evaluated: 2024-07-12. Review status: criteria provided, single submitter. Criteria: Invitae Variant Classification Sherloc (09022015). Collection method: clinical testing. Allele origin: germline.
Comment: This sequence change replaces isoleucine, which is neutral and non-polar, with threonine, which is neutral and polar, at codon 894 of the FASN protein (p.Ile894Thr). This variant is not present in population databases (gnomAD no frequency). This variant has not been reported in the literature in individuals affected with FASN-related conditions. An algorithm developed to predict the effect of missense changes on protein structure and function (PolyPhen-2) suggests that this variant is likely to be tolerated. In summary, the available evidence is currently insufficient to determine the role of this variant in disease. Therefore, it has been classified as a Variant of Uncertain Significance.